The following is an entry in ClinVar:

ClinVar aggregate classification (germline): Uncertain significance. Review status: criteria provided, multiple submitters, no conflicts (2 of 4 stars). 2 submissions from 2 submitters: Uncertain significance (2). Last evaluated 2025-02-28.

Conditions:
Inborn genetic diseases. Identifiers: MedGen C0950123, MeSH D030342.

gnomAD v4.1: 34 of 1,614,118 alleles (0.0021%); highest among the groups gnomAD compares: Non-Finnish European, 0.0029%; no homozygotes.

Submissions (2):

Ambry Genetics
Classification: Uncertain significance for Inborn genetic diseases. Last evaluated: 2025-02-28. Review status: criteria provided, single submitter. Criteria: Ambry Variant Classification Scheme 2023. Collection method: clinical testing. Allele origin: germline.
Comment: The p.D714Y variant (also known as c.2140G>T), located in coding exon 8 of the MECOM gene, results from a G to T substitution at nucleotide position 2140. The aspartic acid at codon 714 is replaced by tyrosine, an amino acid with highly dissimilar properties. This amino acid position is conserved. In addition, the in silico prediction for this alteration is inconclusive. Based on the available evidence, the clinical significance of this variant remains unclear.

Blueprint Genetics
Classification: Uncertain significance. Last evaluated: 2020-01-02. Review status: criteria provided, single submitter. Criteria: ACMG Guidelines, 2015. Collection method: clinical testing. Allele origin: germline.

NM_004991.4(MECOM):c.2140G>T (p.Asp714Tyr)

Gene: MECOM (MDS1 and EVI1 complex locus; minus strand). Cytogenetic location: 3q26.2.
Variant type: single nucleotide variant.
Coding change: c.2140G>T on transcript NM_004991.4 (MANE Select); coding-DNA position 2140, G replaced by T.
Protein change: p.Asp714Tyr; replaces aspartic acid 714 with tyrosine.
Molecular consequence: missense variant.
Genome position (GRCh38, 1-based): chr3:169,115,732, C>A on the plus strand (G>T on the coding strand, the complement: MECOM is on the minus strand). VCF-style: chr3-169115732-C-A. GRCh37 (hg19) VCF-style: chr3-168833520-C-A.
Other names: c.1771G>T, p.Asp591Tyr (NM_001105077.4); c.1576G>T, p.Asp526Tyr (NM_001105078.4, NM_001164000.2, NM_001205194.2 and 4 more transcripts); c.1579G>T, p.Asp527Tyr (NM_001163999.2, NM_001366467.2, NM_001366468.2 and 1 more transcripts); c.2140G>T, p.Asp714Tyr (NM_001366466.2); c.1168G>T, p.Asp390Tyr (NM_001366473.2); c.604G>T, p.Asp202Tyr (NM_001366474.2); short protein forms D527Y, D591Y, D526Y, D714Y, D202Y, D390Y.
Identifiers: ClinVar variation 3871865 (VCV003871865.2).